The following is an entry in ClinVar:

ClinVar aggregate classification (germline): Uncertain significance. Review status: criteria provided, multiple submitters, no conflicts (2 of 4 stars). 2 submissions from 2 submitters: Uncertain significance (2). Last evaluated 2025-06-06.

Conditions:
Hereditary cancer-predisposing syndrome. Also called: Hereditary Cancer Syndrome; Tumor predisposition; Hereditary neoplastic syndrome; Neoplastic Syndromes, Hereditary. Identifiers: Orphanet 140162, MedGen C0027672, MeSH D009386, MONDO:0015356.

Allele frequency attached by ClinVar (database versions not stated): gnomAD exomes below 0.00001.
gnomAD v4.1: 2 of 1,613,714 alleles (0.00012%); highest among the groups gnomAD compares: Non-Finnish European, 0.000085%; no homozygotes.

Submissions (2):

Ambry Genetics
Classification: Uncertain significance for Hereditary cancer-predisposing syndrome. Last evaluated: 2025-06-06. Review status: criteria provided, single submitter. Criteria: Ambry Variant Classification Scheme 2023. Collection method: clinical testing. Allele origin: germline.
Comment: The p.S950G variant (also known as c.2848A>G), located in coding exon 21 of the MSH3 gene, results from an A to G substitution at nucleotide position 2848. The serine at codon 950 is replaced by glycine, an amino acid with similar properties. This amino acid position is conserved. In addition, this alteration is predicted to be deleterious by in silico analysis. Based on the available evidence, the clinical significance of this variant remains unclear.

Labcorp Genetics (formerly Invitae), Labcorp
Classification: Uncertain significance. Last evaluated: 2023-07-09. Review status: criteria provided, single submitter. Criteria: Invitae Variant Classification Sherloc (09022015). Collection method: clinical testing. Allele origin: germline.
Comment: ClinVar contains an entry for this variant (Variation ID: 1042097). This variant has not been reported in the literature in individuals affected with MSH3-related conditions. This variant is not present in population databases (gnomAD no frequency). This sequence change replaces serine, which is neutral and polar, with glycine, which is neutral and non-polar, at codon 950 of the MSH3 protein (p.Ser950Gly). An algorithm developed to predict the effect of missense changes on protein structure and function (PolyPhen-2) suggests that this variant is likely to be disruptive. In summary, the available evidence is currently insufficient to determine the role of this variant in disease. Therefore, it has been classified as a Variant of Uncertain Significance.

NM_002439.5(MSH3):c.2848A>G (p.Ser950Gly)

Gene: MSH3 (mutS homolog 3; plus strand). Cytogenetic location: 5q14.1.
Variant type: single nucleotide variant.
Coding change: c.2848A>G on transcript NM_002439.5 (MANE Select); coding-DNA position 2848, A replaced by G.
Protein change: p.Ser950Gly; replaces serine 950 with glycine.
Molecular consequence: missense variant.
Genome position (GRCh38, 1-based): chr5:80,854,164, A>G. VCF-style: chr5-80854164-A-G. GRCh37 (hg19) VCF-style: chr5-80149983-A-G.
Other names: c.2848A>G (NM_002439.3); short protein forms S950G.
Identifiers: ClinVar variation 1042097 (VCV001042097.9), dbSNP rs1745877173, ClinGen allele CA360275528.